The following is an entry in ClinVar:

ClinVar aggregate classification (germline): Uncertain significance (1 of 4 stars; one submission).

Submission:

GeneDx
Classification: Uncertain significance. Last evaluated: 2022-09-27. Review status: criteria provided, single submitter. Criteria: GeneDx Variant Classification Process June 2021. Collection method: clinical testing. Allele origin: germline. Affected: yes.
Comment: Not observed at significant frequency in large population cohorts (gnomAD); In silico analysis supports that this missense variant has a deleterious effect on protein structure/function; Has not been previously published as pathogenic or benign to our knowledge

NM_004429.5(EFNB1):c.145G>C (p.Gly49Arg)

Gene: EFNB1 (ephrin B1; plus strand). Cytogenetic location: Xq13.1.
Variant type: single nucleotide variant.
Coding change: c.145G>C on transcript NM_004429.5 (MANE Select); coding-DNA position 145, G replaced by C.
Protein change: p.Gly49Arg; replaces glycine 49 with arginine.
Molecular consequence: missense variant.
Genome position (GRCh38, 1-based): chrX:68,838,633, G>C. VCF-style: chrX-68838633-G-C. GRCh37 (hg19) VCF-style: chrX-68058476-G-C.
Other names: short protein forms G49R.
Identifiers: ClinVar variation 2497970 (VCV002497970.1), dbSNP rs2520012733, ClinGen allele CA413437290.
Genomic context (GRCh38, chrX:68,838,633, plus strand): 5'-CCACCCCCAACCCTGAGGCTGACCATCTTCTTCCTTCTGGGCAGGTTCCTGAGTGGGAAG[G>C]GCTTGGTGATCTATCCGAAAATTGGAGACAAGCTGGACATCATCTGCCCCCGAGCAGAAG-3'
Protein context (NP_004420.1, residues 39-59): SLNPKFLSGK[Gly49Arg]LVIYPKIGDK